The following is an entry in ClinVar:

ClinVar aggregate classification (germline): Pathogenic (1 of 4 stars; one submission).

Conditions:
46 XY differences of sex development. Also called: 46, XY disorder of sex development (DSD); 46,XY disorder of sex development. Identifiers: Orphanet 98085, MedGen C2751824, MONDO:0020040.
Oligosynaptic infertility (SPGF1). Also called: SPERMATOGENIC FAILURE 1; OLIGOCHIASMATIC INFERTILITY. Identifiers: MedGen C0403810, MONDO:0009776, OMIM 258150.

Submission:

Labcorp Genetics (formerly Invitae), Labcorp
Classification: Pathogenic for 46 XY differences of sex development; Oligosynaptic infertility. Last evaluated: 2022-03-23. Review status: criteria provided, single submitter. Criteria: Invitae Variant Classification Sherloc (09022015). Collection method: clinical testing. Allele origin: unknown.
Comment: For these reasons, this variant has been classified as Pathogenic. Isolated whole-gene deletions of NR5A1 have not been reported in the literature. However, larger copy number events that include this gene have been reported (PMID: 19269353). A gross deletion of the genomic region encompassing the full coding sequence of the NR5A1 gene has been identified. Loss-of-function variants in NR5A1 are known to be pathogenic (PMID: 10369247, 11038323, 12907682, 19246354, 20887963). The boundaries of this event are unknown as they extend beyond the assayed region for this gene and therefore may encompass additional genes.

Literature cited by the submitters: PubMed 19269353; PubMed 10369247; PubMed 11038323; PubMed 12907682; PubMed 19246354; PubMed 20887963.

NC_000009.11:g.(?_127245037)_(127267690_?)del

Gene: NR5A1 (nuclear receptor subfamily 5 group A member 1; minus strand). Cytogenetic location: 9q33.3.
Variant type: Deletion.
Identifiers: ClinVar variation 3245234 (VCV003245234.1).